The following is an entry in ClinVar:

NM_001367624.2(ZNF469):c.6395G>A (p.Arg2132His)

Gene: ZNF469 (zinc finger protein 469; plus strand). Cytogenetic location: 16q24.2.
Variant type: single nucleotide variant.
Coding change: c.6395G>A on transcript NM_001367624.2 (MANE Select); coding-DNA position 6395, G replaced by A.
Protein change: p.Arg2132His; replaces arginine 2132 with histidine.
Molecular consequence: missense variant.
Genome position (GRCh38, 1-based): chr16:88,433,865, G>A. VCF-style: chr16-88433865-G-A. GRCh37 (hg19) VCF-style: chr16-88500273-G-A.
Other names: NM_001127464.1:c.6311G>A; short protein forms R2132H.
Identifiers: ClinVar variation 1214335 (VCV001214335.9), dbSNP rs906913822, ClinGen allele CA286381489.

ClinVar aggregate classification (germline): Conflicting classifications of pathogenicity. Review status: criteria provided, conflicting classifications (1 of 4 stars). 3 submissions from 3 submitters: Uncertain significance (2); Likely benign (1). Last evaluated 2024-11-09.

Conditions:
Cardiovascular phenotype. Identifiers: MedGen CN230736.

Allele frequency attached by ClinVar (database versions not stated): gnomAD 0.00002; gnomAD exomes 0.00002; TOPMed 0.00002.
gnomAD v4.1: 38 of 1,549,048 alleles (0.0025%); highest among the groups gnomAD compares: African/African-American, 0.0055%; no homozygotes.

Submissions (3):

Ambry Genetics
Classification: Likely benign for Cardiovascular phenotype. Last evaluated: 2024-11-09. Review status: criteria provided, single submitter. Criteria: Ambry Variant Classification Scheme 2023. Collection method: clinical testing. Allele origin: germline.

Labcorp Genetics (formerly Invitae), Labcorp
Classification: Uncertain significance. Last evaluated: 2021-09-17. Review status: criteria provided, single submitter. Criteria: Invitae Variant Classification Sherloc (09022015). Collection method: clinical testing. Allele origin: germline.
Comment: This sequence change replaces arginine with histidine at codon 2104 of the ZNF469 protein (p.Arg2104His). The arginine residue is weakly conserved and there is a small physicochemical difference between arginine and histidine. The frequency data for this variant in the population databases is considered unreliable, as metrics indicate insufficient coverage at this position in the ExAC database. This variant has not been reported in the literature in individuals affected with ZNF469-related conditions. Algorithms developed to predict the effect of missense changes on protein structure and function output the following: SIFT: "Tolerated"; PolyPhen-2: "Benign"; Align-GVGD: "Class C0". The histidine amino acid residue is found in multiple mammalian species, which suggests that this missense change does not adversely affect protein function. In summary, the available evidence is currently insufficient to determine the role of this variant in disease. Therefore, it has been classified as a Variant of Uncertain Significance.

GeneDx
Classification: Uncertain significance. Last evaluated: 2020-03-19. Review status: criteria provided, single submitter. Criteria: GeneDx Variant Classification Process June 2021. Collection method: clinical testing. Allele origin: germline. Affected: yes.
Comment: Not observed at a significant frequency in large population cohorts (Lek et al., 2016); In silico analysis supports that this missense variant does not alter protein structure/function; Has not been previously published as pathogenic or benign to our knowledge